The following is an entry in ClinVar:

ClinVar aggregate classification (germline): Likely benign. Review status: criteria provided, multiple submitters, no conflicts (2 of 4 stars). 3 submissions from 3 submitters: Likely benign (3). Last evaluated 2025-11-26.

Conditions:
Inborn genetic diseases. Identifiers: MedGen C0950123, MeSH D030342.
Neuronal ceroid lipofuscinosis 7 (CLN7). Also called: MFSD8-Related Neuronal Ceroid-Lipofuscinosis. Identifiers: Orphanet 168491, Orphanet 228366, MedGen C1838571, MONDO:0012588, OMIM 610951.

Allele frequency attached by ClinVar (database versions not stated): ExAC 0.00001; gnomAD 0.00002; gnomAD exomes 0.00002 and 0.00007; TOPMed 0.00002.
gnomAD v4.1: 105 of 1,613,926 alleles (0.0065%); highest among the groups gnomAD compares: Non-Finnish European, 0.0085%; no homozygotes.

Submissions (3):

Labcorp Genetics (formerly Invitae), Labcorp
Classification: Likely benign for Neuronal ceroid lipofuscinosis 7. Last evaluated: 2025-11-26. Review status: criteria provided, single submitter. Criteria: Invitae Variant Classification Sherloc (09022015). Collection method: clinical testing. Allele origin: germline.

GeneDx
Classification: Likely benign. Last evaluated: 2018-02-16. Review status: criteria provided, single submitter. Criteria: GeneDx Variant Classification (06012015). Collection method: clinical testing. Allele origin: germline. Affected: yes.
Comment: This variant is considered likely benign or benign based on one or more of the following criteria: it is a conservative change, it occurs at a poorly conserved position in the protein, it is predicted to be benign by multiple in silico algorithms, and/or has population frequency not consistent with disease.

Ambry Genetics
Classification: Likely benign for Inborn genetic diseases. Last evaluated: 2016-07-28. Review status: criteria provided, single submitter. Criteria: Ambry Variant Classification Scheme 2023. Collection method: clinical testing. Allele origin: germline.

NM_001371596.2(MFSD8):c.1513A>C (p.Arg505=)

Gene: MFSD8 (major facilitator superfamily domain containing 8; minus strand). Cytogenetic location: 4q28.2.
Variant type: single nucleotide variant.
Coding change: c.1513A>C on transcript NM_001371596.2 (MANE Select); coding-DNA position 1513, A replaced by C.
Protein change: p.Arg505=; no amino-acid change (arginine 505 retained).
Molecular consequence: synonymous variant. On other transcripts: 3 prime UTR variant (1).
Genome position (GRCh38, 1-based): chr4:127,920,674, T>G on the plus strand (A>C on the coding strand, the complement: MFSD8 is on the minus strand). VCF-style: chr4-127920674-T-G. GRCh37 (hg19) VCF-style: chr4-128841829-T-G.
Other names: c.1312A>C, p.Arg438= (NM_001363520.3); c.1198A>C, p.Arg400= (NM_001363521.3); c.1378A>C, p.Arg460= (NM_001371590.2); c.1522A>C, p.Arg508= (NM_001371591.2); c.1519A>C, p.Arg507= (NM_001371592.2); c.1399A>C, p.Arg467= (NM_001371593.2); c.1366A>C, p.Arg456= (NM_001371594.2); c.1231A>C, p.Arg411= (NM_001371595.1); and 3 more.
Identifiers: ClinVar variation 517109 (VCV000517109.13), dbSNP rs776622815, ClinGen allele CA3077216.
Genomic context (GRCh38, chr4:127,920,674, plus strand): 5'-CACAGTCTTAGCTAGTTTATTCCTGAATCCTCCCATATCTTACAGAAAGAGCAATGAGTC[T>G]TTTGTAAACCACTCCCAGGAGGGTGATGGTGAGCACTATTATTCCACACACCAGGCTGAA-3'
Protein context (NP_001358525.1, residues 495-515): TITLLGVVYK[Arg505=]LIALSVRYGR